The following is an entry in ClinVar:

ClinVar aggregate classification (germline): Benign/Likely benign. Review status: criteria provided, multiple submitters, no conflicts (2 of 4 stars). 14 submissions from 13 submitters: Benign (8); Likely benign (3). 3 of the submissions do not count toward it. Last evaluated 2026-07-01.

Conditions:
EYA1-related disorder. Also called: EYA1-related condition.
Melnick-Fraser syndrome (BOR). Also called: Branchio-oto-renal syndrome; Branchiootorenal Syndrome (BORS); Branchiootorenal syndrome. Identifiers: Orphanet 107, MedGen C0265234, MONDO:0007029.
Otofaciocervical syndrome 1 (OTFCS). Identifiers: MedGen C3714941, MONDO:0024532, OMIM 166780.
Branchiootorenal syndrome 1. Also called: Branchio-Oto-Renal Syndrome 1. Identifiers: Orphanet 107, MedGen C4551702, MONDO:0007236, OMIM 113650.
Branchiootic syndrome 1 (BOS1). Also called: BO SYNDROME 1; BRANCHIOOTIC DYSPLASIA. Identifiers: MedGen C1865143, MONDO:0011258, OMIM 602588.

Allele frequency attached by ClinVar (database versions not stated): 1000 Genomes Project 0.00120; 1000 Genomes Project 30x 0.00156; ExAC 0.00220; gnomAD exomes 0.00236 and 0.00419; gnomAD 0.00280 and 0.00286; TOPMed 0.00298; ESP Exome Variant Server 0.00361.
gnomAD v4.1: 6,524 of 1,614,148 alleles (0.4%); highest among the groups gnomAD compares: Non-Finnish European, 0.51%; 21 homozygotes.

Submissions (14):

CeGaT Center for Human Genetics Tuebingen
Classification: Benign. Last evaluated: 2026-07-01. Review status: criteria provided, single submitter. Criteria: CeGaT Center For Human Genetics Tuebingen Variant Classification Criteria Version 2. Collection method: clinical testing. Allele origin: germline. Affected: yes. Observed: 8 variant alleles.
Comment: EYA1: BP4, BP7, BS1, BS2

Labcorp Genetics (formerly Invitae), Labcorp
Classification: Benign for Melnick-Fraser syndrome. Last evaluated: 2026-01-23. Review status: criteria provided, single submitter. Criteria: Invitae Variant Classification Sherloc (09022015). Collection method: clinical testing. Allele origin: germline.

Blueprint Genetics
Classification: Benign. Last evaluated: 2024-11-27. Review status: criteria provided, single submitter. Criteria: ACMG Guidelines, 2015. Collection method: clinical testing. Allele origin: germline.

Fulgent Genetics
Classification: Likely benign for Branchiootorenal syndrome 1; Otofaciocervical syndrome 1; Branchiootic syndrome 1. Last evaluated: 2021-09-13. Review status: criteria provided, single submitter. Criteria: ACMG Guidelines, 2015. Collection method: clinical testing. Allele origin: unknown.

GeneDx
Classification: Likely benign. Last evaluated: 2021-04-28. Review status: criteria provided, single submitter. Criteria: GeneDx Variant Classification Process June 2021. Collection method: clinical testing. Allele origin: germline. Affected: yes.

Athena Diagnostics
Classification: Benign. Last evaluated: 2018-11-27. Review status: criteria provided, single submitter. Criteria: Athena Diagnostics Criteria. Collection method: clinical testing. Allele origin: germline.

Illumina Laboratory Services, Illumina
Classification: Benign for Otofaciocervical syndrome 1. Last evaluated: 2018-01-13. Review status: criteria provided, single submitter. Criteria: ICSL Variant Classification Criteria 13 December 2019. Collection method: clinical testing. Allele origin: germline.
Comment: This variant was observed in the ICSL laboratory as part of a predisposition screen in an ostensibly healthy population. It had not been previously curated by ICSL or reported in the Human Gene Mutation Database (HGMD: prior to June 1st, 2018), and was therefore a candidate for classification through an automated scoring system. Utilizing variant allele frequency, disease prevalence and penetrance estimates, and inheritance mode, an automated score was calculated to assess if this variant is too frequent to cause the disease. Based on the score and internal cut-off values, a variant classified as benign is not then subjected to further curation. The score for this variant resulted in a classification of benign for this disease.

Illumina Laboratory Services, Illumina
Classification: Benign for Branchiootic syndrome. Last evaluated: 2018-01-13. Review status: criteria provided, single submitter. Criteria: ICSL Variant Classification Criteria 13 December 2019. Collection method: clinical testing. Allele origin: germline.
Comment: the same text as in the submission from Illumina Laboratory Services, Illumina above.

Eurofins Ntd Llc (ga)
Classification: Benign. Last evaluated: 2016-08-30. Review status: criteria provided, single submitter. Criteria: EGL Classification Definitions 2015. Collection method: clinical testing. Allele origin: germline. Observed: 1 variant allele, 1 heterozygote.

Laboratory for Molecular Medicine, Mass General Brigham Personalized Medicine
Classification: Benign. Last evaluated: 2012-05-07. Review status: criteria provided, single submitter. Criteria: LMM Criteria. Collection method: clinical testing. Allele origin: germline. Observed: 13 variant alleles.
Comment: "Ile280Ile in Exon 09 of EYA1: This variant is not expected to have clinical sig nificance because it does not alter an amino acid residue, is not located within the splice consensus sequence, and has been identified in 0.5% (32/7020) of Eur opean American chromosomes from a broad population by the NHLBI Exome Sequencing Project (dbSNP rs55972891)."

Breakthrough Genomics
Classification: Likely benign. Review status: criteria provided, single submitter. Criteria: ACMG Guidelines, 2015. Collection method: not provided. Allele origin: germline. Inheritance: Autosomal dominant inheritance. Affected: yes.

PreventionGenetics, part of Exact Sciences
Classification: Benign for EYA1-related condition. Last evaluated: 2019-04-12. Review status: no assertion criteria provided. Collection method: clinical testing. Allele origin: germline. Not counted in ClinVar's aggregate classification.
Comment: This variant is classified as benign based on ACMG/AMP sequence variant interpretation guidelines (Richards et al. 2015 PMID: 25741868, with internal and published modifications).

Clinical Genetics DNA and cytogenetics Diagnostics Lab, Erasmus MC, Erasmus Medical Center
Classification: Likely benign. Review status: no assertion criteria provided. Collection method: clinical testing. Allele origin: germline. Affected: yes. Study: VKGL Data-share Consensus. Not counted in ClinVar's aggregate classification.

Genome Diagnostics Laboratory, University Medical Center Utrecht
Classification: Likely benign. Review status: no assertion criteria provided. Collection method: clinical testing. Allele origin: germline. Affected: yes. Study: VKGL Data-share Consensus. Not counted in ClinVar's aggregate classification.

NM_000503.6(EYA1):c.840C>A (p.Ile280=)

Gene: EYA1 (EYA transcriptional coactivator and phosphatase 1; minus strand). Cytogenetic location: 8q13.3.
Variant type: single nucleotide variant.
Coding change: c.840C>A on transcript NM_000503.6 (MANE Select); coding-DNA position 840, C replaced by A.
Protein change: p.Ile280=; no amino-acid change (isoleucine 280 retained).
Molecular consequence: synonymous variant.
Genome position (GRCh38, 1-based): chr8:71,271,884, G>T on the plus strand (C>A on the coding strand, the complement: EYA1 is on the minus strand). VCF-style: chr8-71271884-G-T. GRCh37 (hg19) VCF-style: chr8-72184119-G-T.
Other names: c.822C>A, p.Ile274= (NM_001288574.2); c.474C>A, p.Ile158= (NM_001288575.2); c.927C>A, p.Ile309= (NM_001370333.1); c.840C>A, p.Ile280= (NM_001370334.1, NM_001370335.1, NM_172058.4); c.909C>A, p.Ile303= (NM_001370336.1); c.912C>A, p.Ile304= (NM_172059.5); c.840C>A (NM_172058.3).
Identifiers: ClinVar variation 163435 (VCV000163435.51), dbSNP rs55972891, ClinGen allele CA176082.